The following is an entry in ClinVar:

NM_001080453.3(INTS1):c.6372G>A (p.Thr2124=)

Gene: INTS1 (integrator complex subunit 1; minus strand). Cytogenetic location: 7p22.3.
Variant type: single nucleotide variant.
Coding change: c.6372G>A on transcript NM_001080453.3 (MANE Select); coding-DNA position 6372, G replaced by A.
Protein change: p.Thr2124=; no amino-acid change (threonine 2124 retained).
Molecular consequence: synonymous variant.
Genome position (GRCh38, 1-based): chr7:1,470,931, C>T on the plus strand (G>A on the coding strand, the complement: INTS1 is on the minus strand). VCF-style: chr7-1470931-C-T. GRCh37 (hg19) VCF-style: chr7-1510567-C-T.
Other names: c.2889G>A, p.Thr963= (NM_015674.1).
Identifiers: ClinVar variation 3046580 (VCV003046580.3), dbSNP rs753542479, ClinGen allele CA4117968.

ClinVar aggregate classification (germline): Likely benign. Review status: criteria provided, single submitter (1 of 4 stars). 2 submissions from 2 submitters: Likely benign (1). 1 of the submissions does not count toward it. Last evaluated 2026-05-15.

Conditions:
INTS1-related disorder. Also called: INTS1-related condition.

Allele frequency attached by ClinVar (database versions not stated): gnomAD 0.00001; TOPMed 0.00001; ExAC 0.00009.
gnomAD v4.1: 30 of 1,576,930 alleles (0.0019%); highest among the groups gnomAD compares: Non-Finnish European, 0.0024%; no homozygotes.

Submissions (2):

Women's Health and Genetics/Laboratory Corporation of America, LabCorp
Classification: Likely benign. Last evaluated: 2026-05-15. Review status: criteria provided, single submitter. Criteria: LabCorp Variant Classification Summary - May 2015. Collection method: clinical testing. Allele origin: germline.

PreventionGenetics, part of Exact Sciences
Classification: Likely benign for INTS1-related condition. Last evaluated: 2019-03-01. Review status: no assertion criteria provided. Collection method: clinical testing. Allele origin: germline. Not counted in ClinVar's aggregate classification.
Comment: This variant is classified as likely benign based on ACMG/AMP sequence variant interpretation guidelines (Richards et al. 2015 PMID: 25741868, with internal and published modifications).